The following is an entry in ClinVar:

NM_003283.6(TNNT1):c.207G>T (p.Lys69Asn)

Genes: TNNT1 (troponin T1, slow skeletal type; minus strand), LOC130065089 (ATAC-STARR-seq lymphoblastoid active region 15077; plus strand). Cytogenetic location: 19q13.42.
Variant type: single nucleotide variant.
Coding change: c.207G>T on transcript NM_003283.6 (MANE Select); coding-DNA position 207, G replaced by T.
Protein change: p.Lys69Asn; replaces lysine 69 with asparagine.
Molecular consequence: missense variant.
Genome position (GRCh38, 1-based): chr19:55,141,288, C>A on the plus strand (G>T on the coding strand, the complement: TNNT1 is on the minus strand). VCF-style: chr19-55141288-C-A. GRCh37 (hg19) VCF-style: chr19-55652656-C-A.
Other names: c.207G>T, p.Lys69Asn (NM_001126132.3); c.174G>T, p.Lys58Asn (NM_001126133.3, NM_001291774.2); short protein forms K58N, K69N.
Identifiers: ClinVar variation 1010087 (VCV001010087.9), dbSNP rs2085449480, ClinGen allele CA407435682.
Genomic context (GRCh38, chr19:55,141,288, plus strand): 5'-CCGCTGCTCGAAATGTACATCGATGAGTGTCTGCAGCTCCAGCAGGTCTTTCTCCATGCG[C>A]TTGCGGTGGATGTCCTGCAGGACACACGGGCAGCCCGTCCTAGGAGACCCTGGAGGGGGC-3'
Protein context (NP_003274.3, residues 59-79): ERVDFDDIHR[Lys69Asn]RMEKDLLELQ

ClinVar aggregate classification (germline): Uncertain significance (1 of 4 stars; one submission).

Conditions:
Nemaline myopathy 5 (NEM5A). Also called: NEMALINE MYOPATHY 5A, AUTOSOMAL RECESSIVE, SEVERE INFANTILE; Nemaline myopathy 5, Amish type; NEMALINE MYOPATHY, AMISH TYPE. Identifiers: Orphanet 98902, MedGen C1854380, MONDO:0011539, OMIM 605355.

Submission:

Labcorp Genetics (formerly Invitae), Labcorp
Classification: Uncertain significance for Nemaline myopathy 5. Last evaluated: 2025-10-24. Review status: criteria provided, single submitter. Criteria: Invitae Variant Classification Sherloc (09022015). Collection method: clinical testing. Allele origin: germline.
Comment: This sequence change replaces lysine, which is basic and polar, with asparagine, which is neutral and polar, at codon 69 of the TNNT1 protein (p.Lys69Asn). This variant is not present in population databases (gnomAD no frequency). This variant has not been reported in the literature in individuals affected with TNNT1-related conditions. ClinVar contains an entry for this variant (Variation ID: 1010087). Invitae Evidence Modeling of protein sequence and biophysical properties (such as structural, functional, and spatial information, amino acid conservation, physicochemical variation, residue mobility, and thermodynamic stability) indicates that this missense variant is expected to disrupt TNNT1 protein function with a positive predictive value of 80%. In summary, the available evidence is currently insufficient to determine the role of this variant in disease. Therefore, it has been classified as a Variant of Uncertain Significance.